The following is an entry in ClinVar:

ClinVar aggregate classification (germline): Likely pathogenic (1 of 4 stars; one submission).

Conditions:
Cardiovascular phenotype. Identifiers: MedGen CN230736.
Hereditary cancer-predisposing syndrome. Also called: Tumor predisposition; Hereditary neoplastic syndrome; Neoplastic Syndromes, Hereditary; Hereditary Cancer Syndrome. Identifiers: Orphanet 140162, MedGen C0027672, MeSH D009386, MONDO:0015356.

Submission:

Ambry Genetics
Classification: Likely pathogenic for Cardiovascular phenotype; Hereditary cancer-predisposing syndrome. Last evaluated: 2025-05-14. Review status: criteria provided, single submitter. Criteria: Ambry Variant Classification Scheme 2023. Collection method: clinical testing. Allele origin: germline.
Comment: The c.1518_1523delCTTGCT variant (also known as p.L507_L508del) is located in coding exon 13 of the NF1 gene. This variant results from an in-frame CTTGCT deletion at nucleotide positions 1518 to 1523. This results in the in-frame deletion of two amino acids at codons 507 and 508. This variant was reported in individual(s) with features consistent with NF1 (Ambry internal data). This variant is considered to be rare based on population cohorts in the Genome Aggregation Database (gnomAD). This amino acid region is well conserved in available vertebrate species, and the impacted region is critical for protein function (Ambry internal data). In addition, this variant is predicted to be deleterious by in silico analysis (Choi Y et al. PLoS ONE. 2012; 7(10):e46688). Based on the majority of available evidence to date, this variant is likely to be pathogenic.

NM_001042492.3(NF1):c.1518_1523del (p.Leu507_Leu508del)

Gene: NF1 (neurofibromin 1; plus strand). Cytogenetic location: 17q11.2.
Variant type: Deletion.
Coding change: c.1518_1523del on transcript NM_001042492.3 (MANE Select); coding-DNA positions 1518 to 1523, 6 bases deleted (CTTGCT; older notation c.1518_1523delCTTGCT).
Protein change: p.Leu507_Leu508del.
Molecular consequence: inframe deletion. On other transcripts: inframe indel (1).
Genome position (GRCh38, 1-based): chr17:31,214,576-31,214,581, CTTGCT deleted; deleting any 6 consecutive bases within chr17:31,214,573-31,214,581 gives the same sequence; the c. name uses the placement nearest the transcript's 3' end. VCF-style (leftmost placement, unchanged base first): chr17-31214572-AGCTCTT-A. GRCh37 (hg19) VCF-style: chr17-29541590-AGCTCTT-A.
Other names: c.1518_1523delCTTGCT (NM_000267.3); c.1518_1523delCTTGCT, p.Leu507_Leu508del (NM_000267.4); c.1518_1523del, p.Leu507_Leu508del (NM_001128147.3).
Identifiers: ClinVar variation 4029550 (VCV004029550.1).